The following is an entry in ClinVar:

ClinVar aggregate classification (germline): Uncertain significance. Review status: criteria provided, multiple submitters, no conflicts (2 of 4 stars). 3 submissions from 3 submitters: Uncertain significance (3). Last evaluated 2025-11-03.

Conditions:
Vitiligo-associated multiple autoimmune disease susceptibility 1 (VAMAS1). Also called: SYSTEMIC LUPUS ERYTHEMATOSUS, VITILIGO-RELATED. Identifiers: Orphanet 247871, MedGen C1847835, MONDO:0011684, OMIM 606579.
Respiratory papillomatosis, juvenile recurrent, congenital. Identifiers: MedGen C5394112, MONDO:0032925, OMIM 618803.
Corneal intraepithelial dyskeratosis-palmoplantar hyperkeratosis-laryngeal dyskeratosis syndrome. Also called: Palmoplantar carcinoma, multiple self-healing. Identifiers: Orphanet 352662, MedGen C3808876, MONDO:0014089, OMIM 615225.
Autoinflammation with arthritis and dyskeratosis (AIADK). Identifiers: MedGen C4479278, MONDO:0060457, OMIM 617388.
Inborn genetic diseases. Identifiers: MedGen C0950123, MeSH D030342.

Allele frequency attached by ClinVar (database versions not stated): ExAC 0.00003; ESP Exome Variant Server 0.00008; gnomAD exomes 0.00008; TOPMed 0.00017.
gnomAD v4.1: 88 of 1,612,690 alleles (0.0055%); highest among the groups gnomAD compares: Admixed American, 0.045%; no homozygotes.

Submissions (3):

Labcorp Genetics (formerly Invitae), Labcorp
Classification: Uncertain significance. Last evaluated: 2025-11-03. Review status: criteria provided, single submitter. Criteria: Invitae Variant Classification Sherloc (09022015). Collection method: clinical testing. Allele origin: germline.
Comment: This sequence change replaces arginine, which is basic and polar, with histidine, which is basic and polar, at codon 1366 of the NLRP1 protein (p.Arg1366His). This variant is present in population databases (rs367981968, gnomAD 0.04%). This variant has not been reported in the literature in individuals affected with NLRP1-related conditions. ClinVar contains an entry for this variant (Variation ID: 1369278). An algorithm developed to predict the effect of missense changes on protein structure and function (PolyPhen-2) suggests that this variant is likely to be tolerated. In summary, the available evidence is currently insufficient to determine the role of this variant in disease. Therefore, it has been classified as a Variant of Uncertain Significance.

Ambry Genetics
Classification: Uncertain significance for Inborn genetic diseases. Last evaluated: 2022-03-29. Review status: criteria provided, single submitter. Criteria: Ambry Variant Classification Scheme 2023. Collection method: clinical testing. Allele origin: germline.

Department of Pathology and Laboratory Medicine, Sinai Health System
Classification: Uncertain significance for Vitiligo-associated multiple autoimmune disease susceptibility 1; Corneal intraepithelial dyskeratosis-palmoplantar hyperkeratosis-laryngeal dyskeratosis syndrome; Autoinflammation with arthritis and dyskeratosis; Respiratory papillomatosis, juvenile recurrent, congenital. Last evaluated: 2020-06-08. Review status: criteria provided, single submitter. Criteria: ACMG Guidelines, 2015. Collection method: research. Allele origin: germline.

NM_033004.4(NLRP1):c.4097G>A (p.Arg1366His)

Gene: NLRP1 (NLR family pyrin domain containing 1; minus strand). Cytogenetic location: 17p13.2.
Variant type: single nucleotide variant.
Coding change: c.4097G>A on transcript NM_033004.4 (MANE Select); coding-DNA position 4097, G replaced by A.
Protein change: p.Arg1366His; replaces arginine 1366 with histidine.
Molecular consequence: missense variant. On other transcripts: intron variant (1).
Genome position (GRCh38, 1-based): chr17:5,515,478, C>T on the plus strand (G>A on the coding strand, the complement: NLRP1 is on the minus strand). VCF-style: chr17-5515478-C-T. GRCh37 (hg19) VCF-style: chr17-5418798-C-T.
Other names: c.4097G>A (NM_033004.3); c.3965G>A, p.Arg1322His (NM_014922.5); c.4007G>A, p.Arg1336His (NM_033006.4); c.3875G>A, p.Arg1292His (NM_033007.4); c.4069+2268G>A (NM_001033053.3); short protein forms R1292H, R1322H, R1336H, R1366H.
Identifiers: ClinVar variation 1369278 (VCV001369278.10), dbSNP rs367981968, ClinGen allele CA8326653.
Genomic context (GRCh38, chr17:5,515,478, plus strand): 5'-GACAGTACCCCAGAACTGCCACCGCCTCCTGTGGTCTCTGAGAGCTGTTACTGACCTATG[C>T]GGGCTGGAGGGATCAGAGTAGTTGCAGGCATGAGATCTCCTGGAGGAAAACAGAGATGAA-3'
Protein context (NP_127497.1, residues 1356-1376): MPATTLIPPA[Arg1366His]IAVPSPLDAP